The following is an entry in ClinVar:

NM_133259.4(LRPPRC):c.1842G>C (p.Met614Ile)

Gene: LRPPRC (leucine rich pentatricopeptide repeat containing; minus strand). Cytogenetic location: 2p21.
Variant type: single nucleotide variant.
Coding change: c.1842G>C on transcript NM_133259.4 (MANE Select); coding-DNA position 1842, G replaced by C.
Protein change: p.Met614Ile; replaces methionine 614 with isoleucine.
Molecular consequence: missense variant.
Genome position (GRCh38, 1-based): chr2:43,948,412, C>G on the plus strand (G>C on the coding strand, the complement: LRPPRC is on the minus strand). VCF-style: chr2-43948412-C-G. GRCh37 (hg19) VCF-style: chr2-44175551-C-G.
Other names: short protein forms M614I.
Identifiers: ClinVar variation 4723972 (VCV004723972.1).
Genomic context (GRCh38, chr2:43,948,412, plus strand): 5'-AAATCTAATAGATACATGTCAGGCAGGACAGGCATTATATAGCAAAAAACGAAATGGTAC[C>G]ATCTTCTCCAGCTGATGGAAGTATTGTCTCAAATGCTCCTCCTTGGCCTGTACCTCTGAG-3'
Protein context (NP_573566.2, residues 604-624): LRQYFHQLEK[Met614Ile]NVKIPENIYR

ClinVar aggregate classification (germline): Uncertain significance (1 of 4 stars; one submission).

Submission:

Labcorp Genetics (formerly Invitae), Labcorp
Classification: Uncertain significance. Last evaluated: 2025-12-16. Review status: criteria provided, single submitter. Criteria: Invitae Variant Classification Sherloc (09022015). Collection method: clinical testing. Allele origin: germline.
Comment: This sequence change replaces methionine, which is neutral and non-polar, with isoleucine, which is neutral and non-polar, at codon 614 of the LRPPRC protein (p.Met614Ile). This variant also falls at the last nucleotide of exon 17, which is part of the consensus splice site for this exon. This variant is not present in population databases (gnomAD no frequency). This variant has not been reported in the literature in individuals affected with LRPPRC-related conditions. An algorithm developed to predict the effect of missense changes on protein structure and function (PolyPhen-2) suggests that this variant is likely to be disruptive. Variants that disrupt the consensus splice site are a relatively common cause of aberrant splicing (PMID: 17576681, 9536098). Algorithms developed to predict the effect of sequence changes on RNA splicing suggest that this variant may disrupt the consensus splice site. In summary, the available evidence is currently insufficient to determine the role of this variant in disease. Therefore, it has been classified as a Variant of Uncertain Significance.

Literature cited by the submitters: PubMed 17576681; PubMed 9536098.